The following is an entry in ClinVar:

ClinVar aggregate classification (germline): Uncertain significance (1 of 4 stars; one submission).

Submission:

GeneDx
Classification: Uncertain significance. Last evaluated: 2019-07-18. Review status: criteria provided, single submitter. Criteria: GeneDx Variant Classification Process June 2021. Collection method: clinical testing. Allele origin: germline. Affected: yes.
Comment: Not observed in large population cohorts (Lek et al., 2016); In silico analysis, which includes protein predictors and evolutionary conservation, supports a deleterious effect; Has not been previously published as pathogenic or benign to our knowledge

NM_015559.3(SETBP1):c.2564C>A (p.Pro855His)

Gene: SETBP1 (SET binding protein 1; plus strand). Cytogenetic location: 18q12.3.
Variant type: single nucleotide variant.
Coding change: c.2564C>A on transcript NM_015559.3 (MANE Select); coding-DNA position 2564, C replaced by A.
Protein change: p.Pro855His; replaces proline 855 with histidine.
Molecular consequence: missense variant.
Genome position (GRCh38, 1-based): chr18:44,951,904, C>A. VCF-style: chr18-44951904-C-A. GRCh37 (hg19) VCF-style: chr18-42531869-C-A.
Other names: c.2564C>A, p.Pro855His (NM_001379141.1, NM_001379142.1); short protein forms P855H.
Identifiers: ClinVar variation 1304788 (VCV001304788.2), dbSNP rs2145105600, ClinGen allele CA402321713.
Genomic context (GRCh38, chr18:44,951,904, plus strand): 5'-TGGCCAACTCCCCTTCACACCTGTGCGAGATTGGCTCCCTAAAGGAAATCACGCTGTCCC[C>A]TGTGAGCGAGTCCCACAGTGAGGAGACGATCCCCAGCGACAGCGGCATTGGGACAGACAA-3'
Protein context (NP_056374.2, residues 845-865): IGSLKEITLS[Pro855His]VSESHSEETI